The following is an entry in ClinVar:

NM_000175.5(GPI):c.706-4G>T

Gene: GPI (glucose-6-phosphate isomerase; plus strand). Cytogenetic location: 19q13.11.
Variant type: single nucleotide variant.
Coding change: c.706-4G>T on transcript NM_000175.5 (MANE Select); 4 bases into the intron before coding-DNA position 706, G replaced by T.
Molecular consequence: intron variant.
Genome position (GRCh38, 1-based): chr19:34,379,514, G>T. VCF-style: chr19-34379514-G-T. GRCh37 (hg19) VCF-style: chr19-34870419-G-T.
Other names: c.823-4G>T (NM_001289789.1); c.739-4G>T (NM_001184722.1); c.706-4G>T (NM_001329909.1, NM_001329910.1, NM_001329911.2); c.622-4G>T (NM_001289790.3).
Identifiers: ClinVar variation 3351490 (VCV003351490.1).
Genomic context (GRCh38, chr19:34,379,514, plus strand): 5'-ATGGGAAGTGACTACCCTTTGTCTCCCTGGGCTGGCTGTGGTAACTTGGCTCTGTCTCTT[G>T]TAGCCTTCTGCAGTGGCGAAGCACTTTGTTGCCCTGTCTACTAACACAGTAAGTGCCCCC-3'

ClinVar aggregate classification (germline): Likely benign (0 of 4 stars; one submission).

Conditions:
GPI-related disorder. Also called: GPI-related condition.

Submission:

PreventionGenetics, part of Exact Sciences
Classification: Likely benign for GPI-related condition. Last evaluated: 2024-04-25. Review status: no assertion criteria provided. Collection method: clinical testing. Allele origin: germline.
Comment: This variant is classified as likely benign based on ACMG/AMP sequence variant interpretation guidelines (Richards et al. 2015 PMID: 25741868, with internal and published modifications).